The following is an entry in ClinVar:

NM_024598.4(USB1):c.706G>A (p.Gly236Arg)

Gene: USB1 (U6 snRNA biogenesis phosphodiesterase 1; plus strand). Cytogenetic location: 16q21.
Variant type: single nucleotide variant.
Coding change: c.706G>A on transcript NM_024598.4 (MANE Select); coding-DNA position 706, G replaced by A.
Protein change: p.Gly236Arg; replaces glycine 236 with arginine.
Molecular consequence: missense variant.
Genome position (GRCh38, 1-based): chr16:58,020,153, G>A. VCF-style: chr16-58020153-G-A. GRCh37 (hg19) VCF-style: chr16-58054057-G-A.
Other names: c.652G>A, p.Gly218Arg (NM_001195302.2); c.553G>A, p.Gly185Arg (NM_001330568.2); short protein forms G185R, G236R, G218R.
Identifiers: ClinVar variation 3813912 (VCV003813912.1).
Genomic context (GRCh38, chr16:58,020,153, plus strand): 5'-CCCAGATGCCCCTTAATGTGACTGTCCTCCCCTGGCTGCTGTTTTAAGGCAATCGTGGAT[G>A]GGTTTGAAGATGCTGAGGTGCTGCTGCGCGTGCACACTGAGCAAGTCCGCTGCAAGTCTG-3'
Protein context (NP_078874.2, residues 226-246): CLQELQAIVD[Gly236Arg]FEDAEVLLRV

ClinVar aggregate classification (germline): Uncertain significance (1 of 4 stars; one submission).

Conditions:
Inborn genetic diseases. Identifiers: MedGen C0950123, MeSH D030342.

Submission:

Ambry Genetics
Classification: Uncertain significance for Inborn genetic diseases. Last evaluated: 2025-03-05. Review status: criteria provided, single submitter. Criteria: Ambry Variant Classification Scheme 2023. Collection method: clinical testing. Allele origin: germline.
Comment: The p.G236R variant (also known as c.706G>A), located in coding exon 7 of the USB1 gene, results from a G to A substitution at nucleotide position 706. The glycine at codon 236 is replaced by arginine, an amino acid with dissimilar properties. This amino acid position is conserved. In addition, this alteration is predicted to be tolerated by in silico analysis. Based on the available evidence, the clinical significance of this variant remains unclear.